The following is an entry in ClinVar:

NM_000059.4(BRCA2):c.3248dup (p.Asn1083fs)

Gene: BRCA2 (BRCA2 DNA repair associated; plus strand). Cytogenetic location: 13q13.1.
Variant type: Duplication.
Coding change: c.3248dup on transcript NM_000059.4 (MANE Select); coding-DNA position 3248, one base duplicated (A; older notation c.3248dupA).
Protein change: p.Asn1083fs; shifts the reading frame from asparagine 1083.
Molecular consequence: frameshift variant.
Genome position (GRCh38, 1-based): chr13:32,337,603, A duplicated; the last of 5 consecutive A bases (chr13:32,337,599-32,337,603); duplicating any one gives the same sequence. VCF-style (leftmost placement, unchanged base first): chr13-32337598-T-TA. GRCh37 (hg19) VCF-style: chr13-32911735-T-TA.
Other names: 3471insA; short protein forms N1083fs.
Identifiers: ClinVar variation 266742 (VCV000266742.5), dbSNP rs886040466, ClinGen allele CA10589194.

ClinVar aggregate classification (germline): Pathogenic. Review status: reviewed by expert panel (3 of 4 stars). 2 submissions from 2 submitters: Pathogenic (1). 1 of the submissions does not count toward it. Last evaluated 2016-10-18.

Conditions:
Breast-ovarian cancer, familial, susceptibility to, 2 (BROVCA2). Also called: BRCA2 Hereditary Breast and Ovarian Cancer. Identifiers: Orphanet 145, MedGen C2675520, MONDO:0012933, OMIM 612555. Disease mechanism: loss of function.

Submissions (2):

Evidence-based Network for the Interpretation of Germline Mutant Alleles (ENIGMA)
Classification: Pathogenic for Breast-ovarian cancer, familial, susceptibility to, 2. Last evaluated: 2016-10-18. Review status: reviewed by expert panel. Criteria: ENIGMA BRCA1/2 Classification Criteria (2015). Collection method: curation. Allele origin: germline.
Comment: Variant allele predicted to encode a truncated non-functional protein.

Consortium of Investigators of Modifiers of BRCA1/2 (CIMBA), c/o University of Cambridge
Classification: Pathogenic for Breast-ovarian cancer, familial, susceptibility to, 2. Last evaluated: 2015-10-02. Review status: criteria provided, single submitter. Criteria: CIMBA Mutation Classification guidelines May 2016. Collection method: clinical testing. Allele origin: germline. Not counted in ClinVar's aggregate classification.